The following is an entry in ClinVar:

ClinVar aggregate classification (germline): Uncertain significance. Review status: criteria provided, multiple submitters, no conflicts (2 of 4 stars). 2 submissions from 2 submitters: Uncertain significance (2). Last evaluated 2025-02-24.

Conditions:
Congenital erythropoietic porphyria. Also called: GUNTHER DISEASE; UROS DEFICIENCY; Porphyria, Erythropoietic; Congenital porphyria; Günther disease; Uroporphyrinogen III synthase, deficiency of. Identifiers: Orphanet 79277, MedGen C5886774, MONDO:0009902, OMIM 263700.
Inborn genetic diseases. Identifiers: MedGen C0950123, MeSH D030342.

gnomAD v4.1: 8 of 1,614,224 alleles (0.0005%); highest among the groups gnomAD compares: Middle Eastern, 0.017%; no homozygotes.

Submissions (2):

3billion
Classification: Uncertain significance for Congenital erythropoietic porphyria. Last evaluated: 2025-02-24. Review status: criteria provided, single submitter. Criteria: ACMG Guidelines, 2015. Collection method: clinical testing. Allele origin: germline. Affected: yes.
Comment: The variant is observed at an extremely low frequency in the gnomAD v4.1.0 dataset (total allele frequency: <0.001%). Predicted Consequence/Location: Missense variant In silico tool predictions suggest damaging effect of the variant on gene or gene product [3Cnet: 0.61 (>=0.6, sensitivity 0.72 and precision 0.9)]. Therefore, this variant is classified as VUS according to the recommendation of ACMG/AMP guideline.

Ambry Genetics
Classification: Uncertain significance for Inborn genetic diseases. Last evaluated: 2025-02-22. Review status: criteria provided, single submitter. Criteria: Ambry Variant Classification Scheme 2023. Collection method: clinical testing. Allele origin: germline.

NM_000375.3(UROS):c.47A>G (p.Gln16Arg)

Gene: UROS (uroporphyrinogen III synthase; minus strand). Cytogenetic location: 10q26.2.
Variant type: single nucleotide variant.
Coding change: c.47A>G on transcript NM_000375.3 (MANE Select); coding-DNA position 47, A replaced by G.
Protein change: p.Gln16Arg; replaces glutamine 16 with arginine.
Molecular consequence: missense variant. On other transcripts: non-coding transcript variant (3).
Genome position (GRCh38, 1-based): chr10:125,816,453, T>C on the plus strand (A>G on the coding strand, the complement: UROS is on the minus strand). VCF-style: chr10-125816453-T-C. GRCh37 (hg19) VCF-style: chr10-127505022-T-C.
Other names: c.47A>G, p.Gln16Arg (NM_001324036.2, NM_001324037.2, NM_001324038.2 and 1 more transcripts); short protein forms Q16R.
Identifiers: ClinVar variation 3813858 (VCV003813858.2).